The following is an entry in ClinVar:

ClinVar aggregate classification (germline): Uncertain significance (1 of 4 stars; one submission).

Conditions:
Autoimmune lymphoproliferative syndrome type 2B. Also called: AUTOIMMUNE LYMPHOPROLIFERATIVE SYNDROME, TYPE IIB. Identifiers: Orphanet 275517, MedGen C1846545, MONDO:0011804, OMIM 607271.

Allele frequency attached by ClinVar (database versions not stated): ExAC 0.00001.
gnomAD v4.1: 2 of 1,614,184 alleles (0.00012%); highest among the groups gnomAD compares: South Asian, 0.0022%; no homozygotes.

Submission:

Labcorp Genetics (formerly Invitae), Labcorp
Classification: Uncertain significance for Autoimmune lymphoproliferative syndrome type 2B. Last evaluated: 2023-03-26. Review status: criteria provided, single submitter. Criteria: Invitae Variant Classification Sherloc (09022015). Collection method: clinical testing. Allele origin: germline.
Comment: This sequence change replaces cysteine, which is neutral and slightly polar, with phenylalanine, which is neutral and non-polar, at codon 196 of the CASP8 protein (p.Cys196Phe). This variant is present in population databases (rs764440338, gnomAD 0.006%). This variant has not been reported in the literature in individuals affected with CASP8-related conditions. Advanced modeling of protein sequence and biophysical properties (such as structural, functional, and spatial information, amino acid conservation, physicochemical variation, residue mobility, and thermodynamic stability) performed at Invitae indicates that this missense variant is not expected to disrupt CASP8 protein function. In summary, the available evidence is currently insufficient to determine the role of this variant in disease. Therefore, it has been classified as a Variant of Uncertain Significance.

NM_001372051.1(CASP8):c.491G>T (p.Cys164Phe)

Gene: CASP8 (caspase 8; plus strand). Cytogenetic location: 2q33.1.
Variant type: single nucleotide variant.
Coding change: c.491G>T on transcript NM_001372051.1 (MANE Select); coding-DNA position 491, G replaced by T.
Protein change: p.Cys164Phe; replaces cysteine 164 with phenylalanine.
Molecular consequence: missense variant. On other transcripts: 5 prime UTR variant (11), non-coding transcript variant (22).
Genome position (GRCh38, 1-based): chr2:201,272,717, G>T. VCF-style: chr2-201272717-G-T. GRCh37 (hg19) VCF-style: chr2-202137440-G-T.
Other names: c.491G>T, p.Cys164Phe (NM_001080124.2, NM_001400645.1, NM_001400648.1 and 20 more transcripts); c.668G>T, p.Cys223Phe (NM_001080125.2, NM_001400642.1, NM_001400665.1); c.587G>T, p.Cys196Phe (NM_001228.5); c.182G>T, p.Cys61Phe (NM_001400669.1); c.-42G>T (NM_001400671.1, NM_001400672.1, NM_001400673.1 and 6 more transcripts); c.-223G>T (NM_001400674.1); c.-121G>T (NM_001400680.1); short protein forms C196F, C164F, C61F, C223F.
Identifiers: ClinVar variation 2849813 (VCV002849813.3), dbSNP rs764440338, ClinGen allele CA2053568.